The following is an entry in ClinVar:

NM_000195.5(HPS1):c.11T>C (p.Val4Ala)

Gene: HPS1 (HPS1 biogenesis of lysosomal organelles complex 3 subunit 1; minus strand). Cytogenetic location: 10q24.2.
Variant type: single nucleotide variant.
Coding change: c.11T>C on transcript NM_000195.5 (MANE Select); coding-DNA position 11, T replaced by C.
Protein change: p.Val4Ala; replaces valine 4 with alanine.
Molecular consequence: missense variant. On other transcripts: 5 prime UTR variant (6).
Genome position (GRCh38, 1-based): chr10:98,443,230, A>G on the plus strand (T>C on the coding strand, the complement: HPS1 is on the minus strand). VCF-style: chr10-98443230-A-G. GRCh37 (hg19) VCF-style: chr10-100202987-A-G.
Other names: c.-906T>C (NM_001311345.2); c.11T>C, p.Val4Ala (NM_001322476.2, NM_001322477.2, NM_001322478.2 and 8 more transcripts); c.-216T>C (NM_001322483.2, NM_001322484.2, NM_001322485.2); c.-1005T>C (NM_001322487.2); c.-763T>C (NM_001322489.2); short protein forms V4A.
Identifiers: ClinVar variation 163667 (VCV000163667.22), dbSNP rs58548334, ClinGen allele CA176292.
Genomic context (GRCh38, chr10:98,443,230, plus strand): 5'-TCTTCAAACTCCTGATCTGTCCAGTAGAAGAGGACCTCTGCGCCCTCAGTGGCCACCAAG[A>G]CGCACTTCATCTGCCAGGGAAAGGCAAGGTCAAGGTCAGCCTCCAGCCCCAACATCTATG-3'
Protein context (NP_000186.2, residues 1-14): MKC[Val4Ala]LVATEGAEVL

ClinVar aggregate classification (germline): Benign/Likely benign. Review status: criteria provided, multiple submitters, no conflicts (2 of 4 stars). 9 submissions from 9 submitters: Benign (5); Likely benign (3). 1 of the submissions does not count toward it. Last evaluated 2026-02-04.

Conditions:
Hermansky-Pudlak syndrome 1 (HPS1). Also called: DELTA STORAGE POOL DISEASE. Identifiers: Orphanet 231500, Orphanet 79430, MedGen C2931875, MONDO:0008748, OMIM 203300.
Hermansky-Pudlak syndrome (HPS). Also called: ALBINISM WITH HEMORRHAGIC DIATHESIS AND PIGMENTED RETICULOENDOTHELIAL CELLS. Identifiers: Orphanet 79430, MedGen C0079504, MONDO:0019312.

Allele frequency attached by ClinVar (database versions not stated): gnomAD exomes 0.02473 and 0.03127; TOPMed 0.03239; ExAC 0.03325; ESP Exome Variant Server 0.03552; gnomAD 0.03653 and 0.03659; 1000 Genomes Project 0.04073; 1000 Genomes Project 30x 0.04138.
gnomAD v4.1: 41,968 of 1,613,178 alleles (2.6%); highest among the groups gnomAD compares: African/African-American, 6.1%; 791 homozygotes.

Submissions (9):

Labcorp Genetics (formerly Invitae), Labcorp
Classification: Benign. Last evaluated: 2026-02-04. Review status: criteria provided, single submitter. Criteria: Invitae Variant Classification Sherloc (09022015). Collection method: clinical testing. Allele origin: germline.

Blueprint Genetics
Classification: Likely benign. Last evaluated: 2024-11-27. Review status: criteria provided, single submitter. Criteria: ACMG Guidelines, 2015. Collection method: clinical testing. Allele origin: germline.

Mayo Clinic Laboratories, Mayo Clinic
Classification: Benign. Last evaluated: 2024-09-04. Review status: criteria provided, single submitter. Criteria: ACMG Guidelines, 2015. Collection method: clinical testing. Allele origin: germline. Observed: 24 variant alleles.
Comment: BA1, BS2, BP4

GeneDx
Classification: Benign. Last evaluated: 2019-12-20. Review status: criteria provided, single submitter. Criteria: GeneDx Variant Classification Process June 2021. Collection method: clinical testing. Allele origin: germline. Affected: yes.

Illumina Laboratory Services, Illumina
Classification: Benign for Hermansky-Pudlak syndrome 1. Last evaluated: 2018-01-13. Review status: criteria provided, single submitter. Criteria: ICSL Variant Classification Criteria 13 December 2019. Collection method: clinical testing. Allele origin: germline.
Comment: This variant was observed in the ICSL laboratory as part of a predisposition screen in an ostensibly healthy population. It had not been previously curated by ICSL or reported in the Human Gene Mutation Database (HGMD: prior to June 1st, 2018), and was therefore a candidate for classification through an automated scoring system. Utilizing variant allele frequency, disease prevalence and penetrance estimates, and inheritance mode, an automated score was calculated to assess if this variant is too frequent to cause the disease. Based on the score and internal cut-off values, a variant classified as benign is not then subjected to further curation. The score for this variant resulted in a classification of benign for this disease.

Laboratory for Molecular Medicine, Mass General Brigham Personalized Medicine
Classification: Benign. Last evaluated: 2013-02-21. Review status: criteria provided, single submitter. Criteria: LMM Criteria. Collection method: clinical testing. Allele origin: germline. Observed: 2 variant alleles.
Comment: Val4Ala in exon 3 of HPS1: This variant is not expected to have clinical signifi cance because it has been identified in 6.3% (277/4406) of African American chro mosomes from a broad population by the NHLBI Exome Sequencing Project (s.; dbSNP rs58548334).

Breakthrough Genomics
Classification: Likely benign. Review status: criteria provided, single submitter. Criteria: ACMG Guidelines, 2015. Collection method: not provided. Allele origin: germline. Inheritance: Autosomal recessive inheritance. Affected: yes.

PreventionGenetics, part of Exact Sciences
Classification: Likely benign. Review status: criteria provided, single submitter. Criteria: ACMG Guidelines, 2015. Collection method: clinical testing. Allele origin: germline.

Natera, Inc.
Classification: Benign for Hermansky-Pudlak syndrome. Last evaluated: 2021-02-26. Review status: no assertion criteria provided. Collection method: clinical testing. Allele origin: germline. Not counted in ClinVar's aggregate classification.